The following is an entry in ClinVar:

ClinVar aggregate classification (germline): Conflicting classifications of pathogenicity. Review status: criteria provided, conflicting classifications (1 of 4 stars). 3 submissions from 3 submitters: Uncertain significance (1); Likely benign (1). 1 of the submissions does not count toward it. Last evaluated 2025-10-27.

Conditions:
Duchenne muscular dystrophy (DMD). Also called: Duchenne Muscular Dystrophy (DMD); MUSCULAR DYSTROPHY, PSEUDOHYPERTROPHIC PROGRESSIVE, DUCHENNE TYPE. Identifiers: Orphanet 98896, MedGen C0013264, MONDO:0010679, OMIM 310200.
Dystrophin deficiency.
Becker muscular dystrophy (BMD). Also called: MUSCULAR DYSTROPHY, PSEUDOHYPERTROPHIC PROGRESSIVE, BECKER TYPE; Becker Muscular Dystrophy (BMD). Identifiers: Orphanet 98895, MedGen C0917713, MONDO:0010311, OMIM 300376.
Cardiomyopathy (CMYO). Also called: Cardiomyopathies. Identifiers: Orphanet 167848, MedGen C0878544, MONDO:0004994, HP:0001638. Inheritance: Various modes of inheritance.
Cardiovascular phenotype. Identifiers: MedGen CN230736.

Allele frequency attached by ClinVar (database versions not stated): gnomAD exomes 0.00001.
gnomAD v4.1: 7 of 1,211,868 alleles (0.00058%); highest among the groups gnomAD compares: Non-Finnish European, 0.00078%; no homozygotes.

Submissions (3):

Labcorp Genetics (formerly Invitae), Labcorp
Classification: Likely benign for Duchenne muscular dystrophy. Last evaluated: 2025-10-27. Review status: criteria provided, single submitter. Criteria: Invitae Variant Classification Sherloc (09022015). Collection method: clinical testing. Allele origin: germline.

Ambry Genetics
Classification: Uncertain significance for Cardiovascular phenotype. Last evaluated: 2022-12-09. Review status: criteria provided, single submitter. Criteria: Ambry Variant Classification Scheme 2023. Collection method: clinical testing. Allele origin: germline.
Comment: The p.K867E variant (also known as c.2599A>G), located in coding exon 20 of the DMD gene, results from an A to G substitution at nucleotide position 2599. The lysine at codon 867 is replaced by glutamic acid, an amino acid with similar properties. Based on data from gnomAD, the G allele has an overall frequency of 0.0005% (1/183440) total alleles studied, with 1 hemizygote(s) observed. The highest observed frequency was 0.0012% (1/81885) of European (non-Finnish) alleles. This amino acid position is well conserved in available vertebrate species. In addition, this alteration is predicted to be tolerated by in silico analysis. Since supporting evidence is limited at this time, the clinical significance of this alteration remains unclear.

Natera, Inc.
Classification: Uncertain significance for Becker muscular dystrophy; Cardiomyopathy; Duchenne muscular dystrophy; Dystrophin deficiency. Last evaluated: 2018-10-24. Review status: no assertion criteria provided. Collection method: clinical testing. Allele origin: germline. Not counted in ClinVar's aggregate classification.

NM_004006.3(DMD):c.2599A>G (p.Lys867Glu)

Gene: DMD (dystrophin; minus strand). Cytogenetic location: Xp21.1.
Variant type: single nucleotide variant.
Coding change: c.2599A>G on transcript NM_004006.3 (MANE Select); coding-DNA position 2599, A replaced by G.
Protein change: p.Lys867Glu; replaces lysine 867 with glutamic acid.
Molecular consequence: missense variant.
Genome position (GRCh38, 1-based): chrX:32,491,300, T>C on the plus strand (A>G on the coding strand, the complement: DMD is on the minus strand). VCF-style: chrX-32491300-T-C. GRCh37 (hg19) VCF-style: chrX-32509417-T-C.
Other names: c.2575A>G, p.Lys859Glu (NM_000109.4); c.2587A>G, p.Lys863Glu (NM_004009.3); c.2230A>G, p.Lys744Glu (NM_004010.3); short protein forms K867E, K859E, K863E, K744E.
Identifiers: ClinVar variation 853074 (VCV000853074.11), dbSNP rs1382610511, ClinGen allele CA412671891.